The following is an entry in ClinVar:

ClinVar aggregate classification (germline): Pathogenic (1 of 4 stars; one submission).

Conditions:
Adams-Oliver syndrome 5 (AOS5). Identifiers: Orphanet 974, MedGen C4014970, MONDO:0014459, OMIM 616028.

Submission:

Labcorp Genetics (formerly Invitae), Labcorp
Classification: Pathogenic for Adams-Oliver syndrome 5. Last evaluated: 2024-11-30. Review status: criteria provided, single submitter. Criteria: Invitae Variant Classification Sherloc (09022015). Collection method: clinical testing. Allele origin: germline.
Comment: This sequence change creates a premature translational stop signal (p.Ala340Glnfs*12) in the NOTCH1 gene. It is expected to result in an absent or disrupted protein product. Loss-of-function variants in NOTCH1 are known to be pathogenic (PMID: 16025100, 21457232, 25132448, 25963545, 32720365, 33630301). This variant is not present in population databases (gnomAD no frequency). This variant has not been reported in the literature in individuals affected with NOTCH1-related conditions. ClinVar contains an entry for this variant (Variation ID: 845149). For these reasons, this variant has been classified as Pathogenic.

Literature cited by the submitters: PubMed 16025100; PubMed 21457232; PubMed 25132448; PubMed 25963545; PubMed 32720365; PubMed 33630301.

NM_017617.5(NOTCH1):c.1017_1018del (p.Ala340fs)

Gene: NOTCH1 (notch receptor 1; minus strand). Cytogenetic location: 9q34.3.
Variant type: Microsatellite.
Coding change: c.1017_1018del on transcript NM_017617.5 (MANE Select); coding-DNA positions 1017 to 1018, 2 bases deleted (TG; older notation c.1017_1018delTG).
Protein change: p.Ala340fs; shifts the reading frame from alanine 340.
Molecular consequence: frameshift variant.
Genome position (GRCh38, 1-based): chr9:136,518,672-136,518,673, CA deleted on the plus strand (TG on the coding strand, the reverse complement: NOTCH1 is on the minus strand); deleting any 2 consecutive bases within chr9:136,518,672-136,518,675 gives the same sequence; the c. name uses the placement nearest the transcript's 3' end. VCF-style (leftmost placement, unchanged base first): chr9-136518671-GCA-G. GRCh37 (hg19) VCF-style: chr9-139413123-GCA-G.
Other names: short protein forms A340fs.
Identifiers: ClinVar variation 845149 (VCV000845149.7), dbSNP rs1843317673, ClinGen allele CA916083092.